The following is an entry in ClinVar:

NM_006267.5(RANBP2):c.1918-3T>C

Gene: RANBP2 (RAN binding protein 2; plus strand). Cytogenetic location: 2q13.
Variant type: single nucleotide variant.
Coding change: c.1918-3T>C on transcript NM_006267.5 (MANE Select); 3 bases into the intron before coding-DNA position 1918, T replaced by C.
Molecular consequence: intron variant.
Genome position (GRCh38, 1-based): chr2:108,753,423, T>C. VCF-style: chr2-108753423-T-C. GRCh37 (hg19) VCF-style: chr2-109369879-T-C.
Identifiers: ClinVar variation 1361999 (VCV001361999.7), dbSNP rs765978051, ClinGen allele CA1822486.

ClinVar aggregate classification (germline): Uncertain significance (1 of 4 stars; one submission).

Conditions:
Familial acute necrotizing encephalopathy (IIAE3). Also called: ENCEPHALOPATHY, ACUTE, INFECTION-INDUCED, SUSCEPTIBILITY TO, 3; Susceptibility to Acute Necrotizing Encephalopathy 1. Identifiers: Orphanet 88619, MedGen C2675556, MONDO:0011953, OMIM 608033.

Allele frequency attached by ClinVar (database versions not stated): ExAC 0.00001; gnomAD exomes 0.00001 and 0.00003; TOPMed 0.00001.
gnomAD v4.1: 20 of 1,611,706 alleles (0.0012%); highest among the groups gnomAD compares: East Asian, 0.04%; no homozygotes.

Submission:

Labcorp Genetics (formerly Invitae), Labcorp
Classification: Uncertain significance for Familial acute necrotizing encephalopathy. Last evaluated: 2025-10-02. Review status: criteria provided, single submitter. Criteria: Invitae Variant Classification Sherloc (09022015). Collection method: clinical testing. Allele origin: germline.
Comment: This sequence change falls in intron 13 of the RANBP2 gene. It does not directly change the encoded amino acid sequence of the RANBP2 protein. It affects a nucleotide within the consensus splice site. This variant is present in population databases (rs765978051, gnomAD 0.006%). This variant has not been reported in the literature in individuals affected with RANBP2-related conditions. ClinVar contains an entry for this variant (Variation ID: 1361999). Variants that disrupt the consensus splice site are a relatively common cause of aberrant splicing (PMID: 17576681, 9536098). Algorithms developed to predict the effect of sequence changes on RNA splicing suggest that this variant is not likely to affect RNA splicing. In summary, the available evidence is currently insufficient to determine the role of this variant in disease. Therefore, it has been classified as a Variant of Uncertain Significance.

Literature cited by the submitters: PubMed 17576681; PubMed 9536098.